The following is an entry in ClinVar:

ClinVar aggregate classification (germline): Likely benign. Review status: criteria provided, single submitter (1 of 4 stars). 2 submissions from 2 submitters: Likely benign (1). 1 of the submissions does not count toward it. Last evaluated 2026-01-26.

Conditions:
CCDC88C-related disorder. Also called: CCDC88C-Related Disorders; CCDC88C-related condition.

Allele frequency attached by ClinVar (database versions not stated): gnomAD exomes 0.00017; ExAC 0.00021; ESP Exome Variant Server 0.00024; gnomAD 0.00053 and 0.00056; TOPMed 0.00062; 1000 Genomes Project 0.00100; 1000 Genomes Project 30x 0.00109.
gnomAD v4.1: 168 of 1,607,292 alleles (0.01%); highest among the groups gnomAD compares: African/African-American, 0.17%; no homozygotes.

Submissions (2):

Labcorp Genetics (formerly Invitae), Labcorp
Classification: Likely benign. Last evaluated: 2026-01-26. Review status: criteria provided, single submitter. Criteria: Invitae Variant Classification Sherloc (09022015). Collection method: clinical testing. Allele origin: germline.

PreventionGenetics, part of Exact Sciences
Classification: Likely benign for CCDC88C-related condition. Last evaluated: 2023-04-05. Review status: no assertion criteria provided. Collection method: clinical testing. Allele origin: germline. Not counted in ClinVar's aggregate classification.
Comment: This variant is classified as likely benign based on ACMG/AMP sequence variant interpretation guidelines (Richards et al. 2015 PMID: 25741868, with internal and published modifications).

NM_001080414.4(CCDC88C):c.2370C>T (p.Gly790=)

Gene: CCDC88C (coiled-coil and HOOK domain protein 88C; minus strand). Cytogenetic location: 14q32.11.
Variant type: single nucleotide variant.
Coding change: c.2370C>T on transcript NM_001080414.4 (MANE Select); coding-DNA position 2370, C replaced by T.
Protein change: p.Gly790=; no amino-acid change (glycine 790 retained).
Molecular consequence: synonymous variant.
Genome position (GRCh38, 1-based): chr14:91,313,446, G>A on the plus strand (C>T on the coding strand, the complement: CCDC88C is on the minus strand). VCF-style: chr14-91313446-G-A. GRCh37 (hg19) VCF-style: chr14-91779790-G-A.
Identifiers: ClinVar variation 737481 (VCV000737481.10), dbSNP rs200603686, ClinGen allele CA7309678.
Genomic context (GRCh38, chr14:91,313,446, plus strand): 5'-ATTGGCCAGCCGGAGGGCCTCCAGGTCCCGCCGCAGCGCCTGGCGCTCAGCCTCCAGCTC[G>A]CCCAGCTCACTCTCCAAGGTCTGCGTCTTGTGGCTGCTGCTCTCCAGGCTCTGCTGCAGC-3'
Protein context (NP_001073883.2, residues 780-800): HKTQTLESEL[Gly790=]ELEAERQALR